The following is an entry in ClinVar:

NM_032043.3(BRIP1):c.823A>G (p.Ile275Val)

Gene: BRIP1 (BRCA1 interacting DNA helicase 1; minus strand). Cytogenetic location: 17q23.2.
Variant type: single nucleotide variant.
Coding change: c.823A>G on transcript NM_032043.3 (MANE Select); coding-DNA position 823, A replaced by G.
Protein change: p.Ile275Val; replaces isoleucine 275 with valine.
Molecular consequence: missense variant.
Genome position (GRCh38, 1-based): chr17:61,808,562, T>C on the plus strand (A>G on the coding strand, the complement: BRIP1 is on the minus strand). VCF-style: chr17-61808562-T-C. GRCh37 (hg19) VCF-style: chr17-59885923-T-C.
Other names: short protein forms I275V.
Identifiers: ClinVar variation 140995 (VCV000140995.30), dbSNP rs587781425, ClinGen allele CA164166.
Genomic context (GRCh38, chr17:61,808,562, plus strand): 5'-TTCTGTTGAAGTTACCGACTACCTCAGGATGGACACAAGTATGATCCCTGCTGGAAAGAA[T>C]AGTCATTGGAACCCCTGAATATGCCGTCCTCCGGAGCTCTCTAGTAATCTGAGCAATCTG-3'
Protein context (NP_114432.2, residues 265-285): RTAYSGVPMT[Ile275Val]LSSRDHTCVH

ClinVar aggregate classification (germline): Conflicting classifications of pathogenicity. Review status: criteria provided, conflicting classifications (1 of 4 stars). 12 submissions from 12 submitters: Uncertain significance (10); Likely benign (1). 1 of the submissions does not count toward it. Last evaluated 2025-11-22.

Conditions:
Ovarian cancer. Also called: OVARIAN CANCER, SOMATIC. Identifiers: Orphanet 213500, MedGen C1140680, MONDO:0008170, OMIM 167000.
Fanconi anemia complementation group J. Also called: BRIP1-Related Fanconi Anemia. Identifiers: Orphanet 84, MedGen C1836860, MONDO:0012187, OMIM 609054.
Breast and/or ovarian cancer. Identifiers: MedGen CN221562.
Hereditary cancer-predisposing syndrome. Also called: Neoplastic Syndromes, Hereditary; Hereditary Cancer Syndrome; Hereditary neoplastic syndrome; Tumor predisposition. Identifiers: Orphanet 140162, MedGen C0027672, MeSH D009386, MONDO:0015356.
Familial cancer of breast. Also called: Hereditary breast cancer; hereditary breast carcinoma; BREAST CANCER, FAMILIAL. Identifiers: Orphanet 227535, MedGen C0346153, MONDO:0016419, OMIM 114480. Disease mechanism: loss of function.

Allele frequency attached by ClinVar (database versions not stated): ExAC 0.00001; gnomAD 0.00001; gnomAD exomes 0.00001; TOPMed 0.00001.
gnomAD v4.1: 10 of 1,613,554 alleles (0.00062%); highest among the groups gnomAD compares: Admixed American, 0.0033%; no homozygotes.

Submissions (12):

Labcorp Genetics (formerly Invitae), Labcorp
Classification: Uncertain significance for Familial cancer of breast; Fanconi anemia complementation group J. Last evaluated: 2025-11-22. Review status: criteria provided, single submitter. Criteria: Invitae Variant Classification Sherloc (09022015). Collection method: clinical testing. Allele origin: germline.
Comment: This sequence change replaces isoleucine, which is neutral and non-polar, with valine, which is neutral and non-polar, at codon 275 of the BRIP1 protein (p.Ile275Val). This variant is present in population databases (rs587781425, gnomAD 0.006%). This missense change has been observed in individual(s) with breast cancer (PMID: 18414782). ClinVar contains an entry for this variant (Variation ID: 140995). Invitae Evidence Modeling of protein sequence and biophysical properties (such as structural, functional, and spatial information, amino acid conservation, physicochemical variation, residue mobility, and thermodynamic stability) indicates that this missense variant is not expected to disrupt BRIP1 protein function with a negative predictive value of 95%. In summary, the available evidence is currently insufficient to determine the role of this variant in disease. Therefore, it has been classified as a Variant of Uncertain Significance.

Ambry Genetics
Classification: Likely benign for Hereditary cancer-predisposing syndrome. Last evaluated: 2025-04-13. Review status: criteria provided, single submitter. Criteria: Ambry Variant Classification Scheme 2023. Collection method: clinical testing. Allele origin: germline.

Department of Pathology and Laboratory Medicine, Sinai Health System
Classification: Uncertain significance for Familial cancer of breast. Last evaluated: 2024-04-22. Review status: criteria provided, single submitter. Criteria: ACMG Guidelines, 2015. Collection method: clinical testing. Allele origin: germline. Affected: yes.

Baylor Genetics
Classification: Uncertain significance for Familial cancer of breast. Last evaluated: 2024-03-03. Review status: criteria provided, single submitter. Criteria: ACMG Guidelines, 2015. Collection method: clinical testing. Allele origin: unknown.

Color Diagnostics, LLC DBA Color Health
Classification: Uncertain significance for Hereditary cancer-predisposing syndrome. Last evaluated: 2023-08-29. Review status: criteria provided, single submitter. Criteria: ACMG Guidelines, 2015. Collection method: clinical testing. Allele origin: germline.
Comment: This missense variant replaces isoleucine with valine at codon 275 of the BRIP1 protein. Computational prediction suggests that this variant may not impact protein structure and function (internally defined REVEL score threshold <= 0.5, PMID: 27666373). To our knowledge, functional studies have not been reported for this variant. This variant has been reported in an individual affected with breast cancer (PMID: 18414782), in an ovarian cancer case-control study in 1/3431 unaffected individuals and absent in 3236 cases (PMID: 26315354), and in a breast cancer case-control meta-analysis in 1/60466 cases and 2/53461 unaffected individuals (PMID: 33471991; Leiden Open Variation Database DB-ID BRIP1_000636). This variant has been identified in 3/251020 chromosomes in the general population by the Genome Aggregation Database (gnomAD). The available evidence is insufficient to determine the role of this variant in disease conclusively. Therefore, this variant is classified as a Variant of Uncertain Significance.

KCCC/NGS Laboratory, Kuwait Cancer Control Center
Classification: Uncertain significance for Familial cancer of breast. Last evaluated: 2023-07-05. Review status: criteria provided, single submitter. Criteria: ACMG Guidelines, 2015. Collection method: clinical testing. Allele origin: unknown. Inheritance: Autosomal dominant inheritance. Affected: yes. Observed: 1 heterozygote.
Comment: This sequence change replaces isoleucine, which is neutral and non-polar, with valine, which is neutral and non-polar, at codon 275 of the BRIP1 protein (p.Ile275Val).This amino acid position is highly conserved . This variant is present in population databases (rs587781425, gnomAD 0.006%). This missense change has been observed in individual(s) with breast cancer (PMID: 18414782). ClinVar contains an entry for this variant (Variation ID: 140995). Algorithms developed to predict the effect of missense changes on protein structure and function (SIFT, PolyPhen-2, Align-GVGD) all suggest that this variant is likely to be tolerated. In summary, the available evidence is currently insufficient to determine the role of this variant in disease. Therefore, it has been classified as a Variant of Uncertain Significance.

Myriad Genetics, Inc.
Classification: Uncertain significance for Familial cancer of breast. Last evaluated: 2023-03-01. Review status: criteria provided, single submitter. Criteria: Myriad Autosomal Dominant, Autosomal Recessive and X-Linked Classification Criteria (2023). Collection method: clinical testing. Allele origin: unknown.
Comment: This variant is classified as a variant of uncertain significance as there is insufficient evidence to determine its impact on protein function and/or cancer risk.

CHEO Genetics Diagnostic Laboratory, Children's Hospital of Eastern Ontario
Classification: Uncertain significance for Breast and/or ovarian cancer. Last evaluated: 2022-11-23. Review status: criteria provided, single submitter. Criteria: ACMG Guidelines, 2015. Collection method: clinical testing. Allele origin: germline.

MGZ Medical Genetics Center
Classification: Uncertain significance for Familial cancer of breast. Last evaluated: 2022-09-01. Review status: criteria provided, single submitter. Criteria: ACMG Guidelines, 2015. Collection method: clinical testing. Allele origin: germline. Affected: yes. Observed: 1 variant allele.
Comment: ACMG criteria applied: PM2_SUP, BP4

Fulgent Genetics
Classification: Uncertain significance for Familial cancer of breast; Fanconi anemia complementation group J. Last evaluated: 2018-10-31. Review status: criteria provided, single submitter. Criteria: ACMG Guidelines, 2015. Collection method: clinical testing. Allele origin: unknown.

GeneDx
Classification: Uncertain significance. Last evaluated: 2017-11-09. Review status: criteria provided, single submitter. Criteria: GeneDx Variant Classification (06012015). Collection method: clinical testing. Allele origin: germline. Affected: yes.
Comment: This variant is denoted BRIP1 c.823A>G at the cDNA level, p.Ile275Val (I275V) at the protein level, and results in the change of an Isoleucine to a Valine (ATT>GTT). This variant has been reported in at least one BRCA1/2 negative individual with breast cancer, but also in at least one control (Guenard 2008, Ramus 2015). BRIP1 Ile275Val was not observed at a significant allele frequency in large population cohorts (Lek 2016). Since Isoleucine and Valine share similar properties, this is considered a conservative amino acid substitution. BRIP1 Ile275Val is not located in a known functional domain. In-silico analyses, including protein predictors and evolutionary conservation, support that this variant does not alter protein structure or function. Based on currently available evidence, it is unclear whether BRIP1 Ile275Val is a pathogenic or benign variant. We consider it to be a variant of uncertain significance.

Counsyl
Classification: Uncertain significance for Fanconi anemia complementation group J; Ovarian cancer. Last evaluated: 2018-04-19. Review status: no assertion criteria provided. Collection method: clinical testing. Allele origin: unknown. Not counted in ClinVar's aggregate classification.

Literature cited by the submitters: PubMed 18414782 (cited by 5 submitters); PubMed 26315354 (cited by 4 submitters); PubMed 33471991 (cited by Department of Pathology and Laboratory Medicine, Sinai Health System and Color Diagnostics, LLC DBA Color Health).